The following is an entry in ClinVar:

ClinVar aggregate classification (germline): Uncertain significance (1 of 4 stars; one submission).

gnomAD v4.1: 1 of 1,614,206 alleles (0.000062%); no homozygotes.

Submission:

Dasa
Classification: Uncertain significance. Last evaluated: 2025-07-15. Review status: criteria provided, single submitter. Criteria: DASA Assertion Criteria. Collection method: clinical testing. Allele origin: germline.
Comment: NM_000135.4(FANCA):c.3210G>C (p.Gln1070His) is a missense variant that results in the substitution of glutamine with histidine. This variant is rare in population databases. Computational prediction algorithms are consistent with a benign effect. The currently available literature and clinical evidence are not sufficient to establish a definitive association between this variant and the reported condition. Therefore, this variant is classified as a variant of uncertain significance.

NM_000135.4(FANCA):c.3210G>C (p.Gln1070His)

Gene: FANCA (FA complementation group A; minus strand). Cytogenetic location: 16q24.3.
Variant type: single nucleotide variant.
Coding change: c.3210G>C on transcript NM_000135.4 (MANE Select); coding-DNA position 3210, G replaced by C.
Protein change: p.Gln1070His; replaces glutamine 1070 with histidine.
Molecular consequence: missense variant.
Genome position (GRCh38, 1-based): chr16:89,749,759, C>G on the plus strand (G>C on the coding strand, the complement: FANCA is on the minus strand). VCF-style: chr16-89749759-C-G. GRCh37 (hg19) VCF-style: chr16-89816167-C-G.
Other names: c.3210G>C, p.Gln1070His (NM_001286167.3); short protein forms Q1070H.
Identifiers: ClinVar variation 4883230 (VCV004883230.2).